The following is an entry in ClinVar:

ClinVar aggregate classification (germline): Uncertain significance (1 of 4 stars; one submission).

gnomAD v4.1: 77 of 1,587,830 alleles (0.0048%); highest among the groups gnomAD compares: Middle Eastern, 0.017%; no homozygotes.

Submission:

Labcorp Genetics (formerly Invitae), Labcorp
Classification: Uncertain significance. Last evaluated: 2024-08-12. Review status: criteria provided, single submitter. Criteria: Invitae Variant Classification Sherloc (09022015). Collection method: clinical testing. Allele origin: germline.
Comment: This sequence change replaces proline, which is neutral and non-polar, with leucine, which is neutral and non-polar, at codon 167 of the KANK2 protein (p.Pro167Leu). This variant is present in population databases (rs377144489, gnomAD 0.01%). This variant has not been reported in the literature in individuals affected with KANK2-related conditions. An algorithm developed to predict the effect of missense changes on protein structure and function (PolyPhen-2) suggests that this variant is likely to be tolerated. In summary, the available evidence is currently insufficient to determine the role of this variant in disease. Therefore, it has been classified as a Variant of Uncertain Significance.

NM_001136191.3(KANK2):c.500C>T (p.Pro167Leu)

Gene: KANK2 (KN motif and ankyrin repeat domains 2; minus strand). Cytogenetic location: 19p13.2.
Variant type: single nucleotide variant.
Coding change: c.500C>T on transcript NM_001136191.3 (MANE Select); coding-DNA position 500, C replaced by T.
Protein change: p.Pro167Leu; replaces proline 167 with leucine.
Molecular consequence: missense variant.
Genome position (GRCh38, 1-based): chr19:11,193,580, G>A on the plus strand (C>T on the coding strand, the complement: KANK2 is on the minus strand). VCF-style: chr19-11193580-G-A. GRCh37 (hg19) VCF-style: chr19-11304256-G-A.
Other names: c.500C>T, p.Pro167Leu (NM_001329451.2, NM_001379548.1, NM_001379549.1 and 15 more transcripts); short protein forms P167L.
Identifiers: ClinVar variation 3705271 (VCV003705271.2).